The following is an entry in ClinVar:

NM_032776.3(JMJD1C):c.6347T>A (p.Val2116Asp)

Gene: JMJD1C (jumonji domain containing 1C; minus strand). Cytogenetic location: 10q21.3.
Variant type: single nucleotide variant.
Coding change: c.6347T>A on transcript NM_032776.3 (MANE Select); coding-DNA position 6347, T replaced by A.
Protein change: p.Val2116Asp; replaces valine 2116 with aspartic acid.
Molecular consequence: missense variant. On other transcripts: non-coding transcript variant (1).
Genome position (GRCh38, 1-based): chr10:63,189,391, A>T on the plus strand (T>A on the coding strand, the complement: JMJD1C is on the minus strand). VCF-style: chr10-63189391-A-T. GRCh37 (hg19) VCF-style: chr10-64949151-A-T.
Other names: c.5801T>A, p.Val1934Asp (NM_001282948.2, NM_001318154.2); c.5483T>A, p.Val1828Asp (NM_001318153.2); c.6233T>A, p.Val2078Asp (NM_001322252.2); c.5690T>A, p.Val1897Asp (NM_001322254.2, NM_001322258.2); short protein forms V2116D, V1828D, V1897D, V2078D, V1934D.
Identifiers: ClinVar variation 4749539 (VCV004749539.1).

ClinVar aggregate classification (germline): Uncertain significance (1 of 4 stars; one submission).

Conditions:
Early Myoclonic Encephalopathy. Identifiers: MedGen C0270855.

Submission:

Labcorp Genetics (formerly Invitae), Labcorp
Classification: Uncertain significance for Early Myoclonic Encephalopathy. Last evaluated: 2025-06-29. Review status: criteria provided, single submitter. Criteria: Invitae Variant Classification Sherloc (09022015). Collection method: clinical testing. Allele origin: germline.
Comment: This sequence change replaces valine, which is neutral and non-polar, with aspartic acid, which is acidic and polar, at codon 2116 of the JMJD1C protein (p.Val2116Asp). This variant is not present in population databases (gnomAD no frequency). This variant has not been reported in the literature in individuals affected with JMJD1C-related conditions. Invitae Evidence Modeling of protein sequence and biophysical properties (such as structural, functional, and spatial information, amino acid conservation, physicochemical variation, residue mobility, and thermodynamic stability) indicates that this missense variant is expected to disrupt JMJD1C protein function with a positive predictive value of 80%. In summary, the available evidence is currently insufficient to determine the role of this variant in disease. Therefore, it has been classified as a Variant of Uncertain Significance.